The following is an entry in ClinVar:

ClinVar aggregate classification (germline): Uncertain significance (1 of 4 stars; one submission).

Conditions:
Inborn genetic diseases. Identifiers: MedGen C0950123, MeSH D030342.

gnomAD v4.1: 1 of 1,614,000 alleles (0.000062%); highest among the groups gnomAD compares: East Asian, 0.0022%; no homozygotes.

Submission:

Ambry Genetics
Classification: Uncertain significance for Inborn genetic diseases. Last evaluated: 2024-07-15. Review status: criteria provided, single submitter. Criteria: Ambry Variant Classification Scheme 2023. Collection method: clinical testing. Allele origin: germline.
Comment: The p.G975R variant (also known as c.2923G>A), located in coding exon 22 of the BUB1B gene, results from a G to A substitution at nucleotide position 2923. The glycine at codon 975 is replaced by arginine, an amino acid with dissimilar properties. This amino acid position is conserved. In addition, this alteration is predicted to be tolerated by in silico analysis. Based on the available evidence, the clinical significance of this variant remains unclear.

NM_001211.6(BUB1B):c.2923G>A (p.Gly975Arg)

Genes: BUB1B (BUB1 mitotic checkpoint serine/threonine kinase B; plus strand), BUB1B-PAK6 (BUB1B-PAK6 readthrough; plus strand). Cytogenetic location: 15q15.1.
Variant type: single nucleotide variant.
Coding change: c.2923G>A on transcript NM_001211.6 (MANE Select); coding-DNA position 2923, G replaced by A.
Protein change: p.Gly975Arg; replaces glycine 975 with arginine.
Molecular consequence: missense variant. On other transcripts: intron variant (2).
Genome position (GRCh38, 1-based): chr15:40,218,528, G>A. VCF-style: chr15-40218528-G-A. GRCh37 (hg19) VCF-style: chr15-40510729-G-A.
Other names: c.-201+861G>A (NM_001128628.3); c.-118+861G>A (NM_001128629.3); short protein forms G975R.
Identifiers: ClinVar variation 3483153 (VCV003483153.1).